The following is an entry in ClinVar:

t(X;9)(q13.3;cen)

Gene: ZDHHC15 (zDHHC palmitoyltransferase 15; minus strand). Cytogenetic location: Xq13.3.
Variant type: Translocation.
Identifiers: ClinVar variation 592174 (VCV000592174.2).

ClinVar aggregate classification (germline): Uncertain significance (0 of 4 stars; one submission).

Submission:

Genetics Division, Universidade Federal de Sao Paulo
Classification: Uncertain significance. Last evaluated: 2013-03-01. Review status: no assertion criteria provided. Collection method: research. Allele origin: de novo. Inheritance: X-linked inheritance. Affected: yes. Observed: 1 heterozygote.